The following is an entry in ClinVar:

ClinVar aggregate classification (germline): Uncertain significance (1 of 4 stars; one submission).

Conditions:
Werner syndrome (WRN). Identifiers: Orphanet 902, MedGen C0043119, MONDO:0010196, OMIM 277700.

Allele frequency attached by ClinVar (database versions not stated): gnomAD exomes below 0.00001.
gnomAD v4.1: 1 of 1,614,140 alleles (0.000062%); highest among the groups gnomAD compares: Non-Finnish European, 0.000085%; no homozygotes.

Submission:

Labcorp Genetics (formerly Invitae), Labcorp
Classification: Uncertain significance for Werner syndrome. Last evaluated: 2018-01-29. Review status: criteria provided, single submitter. Criteria: Invitae Variant Classification Sherloc (09022015). Collection method: clinical testing. Allele origin: germline.
Comment: In summary, the available evidence is currently insufficient to determine the role of this variant in disease. Therefore, it has been classified as a Variant of Uncertain Significance. Algorithms developed to predict the effect of missense changes on protein structure and function output the following: SIFT: "Deleterious"; PolyPhen-2: "Possibly Damaging"; Align-GVGD: "Class C15". The cysteine amino acid residue is found in multiple mammalian species, suggesting that this missense change does not adversely affect protein function. These predictions have not been confirmed by published functional studies and their clinical significance is uncertain. This variant has not been reported in the literature in individuals with WRN-related disease. This variant is not present in population databases (ExAC no frequency). This sequence change replaces serine with cysteine at codon 1227 of the WRN protein (p.Ser1227Cys). The serine residue is moderately conserved and there is a moderate physicochemical difference between serine and cysteine.

NM_000553.6(WRN):c.3679A>T (p.Ser1227Cys)

Gene: WRN (WRN RecQ like helicase; plus strand). Cytogenetic location: 8p12.
Variant type: single nucleotide variant.
Coding change: c.3679A>T on transcript NM_000553.6 (MANE Select); coding-DNA position 3679, A replaced by T.
Protein change: p.Ser1227Cys; replaces serine 1227 with cysteine.
Molecular consequence: missense variant.
Genome position (GRCh38, 1-based): chr8:31,150,447, A>T. VCF-style: chr8-31150447-A-T. GRCh37 (hg19) VCF-style: chr8-31007963-A-T.
Other names: short protein forms S1227C.
Identifiers: ClinVar variation 568644 (VCV000568644.4), dbSNP rs1563382585, ClinGen allele CA370928196.
Genomic context (GRCh38, chr8:31,150,447, plus strand): 5'-GGCAAAGCTGCCATGTTGGCCCCTCTGTTGGAAGTCATCAAACATTTCTGCCAAACAAAT[A>T]GTGTTCAGGTAAAATACTGTGGTTTGCAGGAGCTCTTAGAGAATAAGCATTTTTTGTAAC-3'
Protein context (NP_000544.2, residues 1217-1237): EVIKHFCQTN[Ser1227Cys]VQTDLFSSTK